The following is an entry in ClinVar:

NM_001174147.2(LMX1B):c.553G>A (p.Asp185Asn)

Gene: LMX1B (LIM homeobox transcription factor 1 beta; plus strand). Cytogenetic location: 9q33.3.
Variant type: single nucleotide variant.
Coding change: c.553G>A on transcript NM_001174147.2 (MANE Select); coding-DNA position 553, G replaced by A.
Protein change: p.Asp185Asn; replaces aspartic acid 185 with asparagine.
Molecular consequence: missense variant.
Genome position (GRCh38, 1-based): chr9:126,691,062, G>A. VCF-style: chr9-126691062-G-A. GRCh37 (hg19) VCF-style: chr9-129453341-G-A.
Other names: c.553G>A, p.Asp185Asn (NM_001174146.2, NM_002316.4); short protein forms D185N.
Identifiers: ClinVar variation 2806555 (VCV002806555.4), dbSNP rs775029316, ClinGen allele CA5242341.

ClinVar aggregate classification (germline): Uncertain significance. Review status: criteria provided, multiple submitters, no conflicts (2 of 4 stars). 2 submissions from 2 submitters: Uncertain significance (2). Last evaluated 2024-01-08.

Conditions:
Nail-patella-like renal disease. Also called: Focal Segmental Glomerulosclerosis 10; GLOMERULAR BASEMENT MEMBRANE DISEASE, NAIL-PATELLA SYNDROME TYPE. Identifiers: Orphanet 2613, MedGen C0403548, MONDO:0009724, OMIM 256020.
Nail-patella syndrome (NPS). Also called: FONG DISEASE; ONYCHOOSTEODYSPLASIA; TURNER-KIESER SYNDROME. Identifiers: Orphanet 2614, MedGen C0027341, MONDO:0008061, OMIM 161200.

Allele frequency attached by ClinVar (database versions not stated): gnomAD exomes 0.00001; TOPMed 0.00002; gnomAD 0.00003; ExAC 0.00004.
gnomAD v4.1: 20 of 1,607,980 alleles (0.0012%); highest among the groups gnomAD compares: African/African-American, 0.0067%; no homozygotes.

Submissions (2):

Fulgent Genetics
Classification: Uncertain significance for Nail-patella syndrome; Nail-patella-like renal disease. Last evaluated: 2024-01-08. Review status: criteria provided, single submitter. Criteria: ACMG Guidelines, 2015. Collection method: clinical testing. Allele origin: germline.

Labcorp Genetics (formerly Invitae), Labcorp
Classification: Uncertain significance. Last evaluated: 2023-06-15. Review status: criteria provided, single submitter. Criteria: Invitae Variant Classification Sherloc (09022015). Collection method: clinical testing. Allele origin: germline.
Comment: This sequence change replaces aspartic acid, which is acidic and polar, with asparagine, which is neutral and polar, at codon 185 of the LMX1B protein (p.Asp185Asn). This variant is present in population databases (rs775029316, gnomAD 0.01%). This variant has not been reported in the literature in individuals affected with LMX1B-related conditions. Advanced modeling of protein sequence and biophysical properties (such as structural, functional, and spatial information, amino acid conservation, physicochemical variation, residue mobility, and thermodynamic stability) performed at Invitae indicates that this missense variant is not expected to disrupt LMX1B protein function. In summary, the available evidence is currently insufficient to determine the role of this variant in disease. Therefore, it has been classified as a Variant of Uncertain Significance.